The following is an entry in ClinVar:

NM_001348716.2(KDM6B):c.3737G>A (p.Arg1246His)

Genes: KDM6B (lysine demethylase 6B; plus strand), LOC121587574 (Sharpr-MPRA regulatory region 3930; plus strand). Cytogenetic location: 17p13.1.
Variant type: single nucleotide variant.
Coding change: c.3737G>A on transcript NM_001348716.2 (MANE Select); coding-DNA position 3737, G replaced by A.
Protein change: p.Arg1246His; replaces arginine 1246 with histidine.
Molecular consequence: missense variant.
Genome position (GRCh38, 1-based): chr17:7,851,084, G>A. VCF-style: chr17-7851084-G-A. GRCh37 (hg19) VCF-style: chr17-7754402-G-A.
Other names: c.3737G>A, p.Arg1246His (NM_001080424.2); short protein forms R1246H.
Identifiers: ClinVar variation 3113896 (VCV003113896.1), dbSNP rs760199993, ClinGen allele CA8361249.
Genomic context (GRCh38, chr17:7,851,084, plus strand): 5'-TGGGCCTCTTCTCCACCAAGACCCTGGTGGAAGCGAGTGGCGAACACACCGTGGAAGTTC[G>A]CACCCAGGTGCAGCAGCCCTCAGATGAGAACTGGGATCTGACAGGCACTCGGCAGATCTG-3'
Protein context (NP_001335645.1, residues 1236-1256): EASGEHTVEV[Arg1246His]TQVQQPSDEN

ClinVar aggregate classification (germline): Likely pathogenic (1 of 4 stars; one submission).

Conditions:
Inborn genetic diseases. Identifiers: MedGen C0950123, MeSH D030342.

Allele frequency attached by ClinVar (database versions not stated): gnomAD exomes below 0.00001; ExAC 0.00001.
gnomAD v4.1: 1 of 1,613,502 alleles (0.000062%); highest among the groups gnomAD compares: Non-Finnish European, 0.000085%; no homozygotes.

Submission:

Ambry Genetics
Classification: Likely pathogenic for Inborn genetic diseases. Last evaluated: 2024-02-15. Review status: criteria provided, single submitter. Criteria: Ambry Variant Classification Scheme 2023. Collection method: clinical testing. Allele origin: germline.
Comment: The c.3737G>A (p.R1246H) alteration is located in exon 14 (coding exon 11) of the KDM6B gene. This alteration results from a G to A substitution at nucleotide position 3737, causing the arginine (R) at amino acid position 1246 to be replaced by a histidine (H). Based on data from gnomAD, the A allele has an overall frequency of <0.001% (1/250690) total alleles studied. The highest observed frequency was 0.001% (1/113172) of European (non-Finnish) alleles. This amino acid position is highly conserved in available vertebrate species. This missense alteration is located in a region that has a low rate of benign missense variation (Lek, 2016; Firth, 2009). This alteration is predicted to be deleterious by in silico analysis. Based on the available evidence, this alteration is classified as likely pathogenic.